The following is an entry in ClinVar:

NM_018325.5(C9orf72):c.1387A>G (p.Ile463Val)

Gene: C9orf72 (C9orf72-SMCR8 complex subunit; minus strand). Cytogenetic location: 9p21.2.
Variant type: single nucleotide variant.
Coding change: c.1387A>G on transcript NM_018325.5 (MANE Select); coding-DNA position 1387, A replaced by G.
Protein change: p.Ile463Val; replaces isoleucine 463 with valine.
Molecular consequence: missense variant.
Genome position (GRCh38, 1-based): chr9:27,548,295, T>C on the plus strand (A>G on the coding strand, the complement: C9orf72 is on the minus strand). VCF-style: chr9-27548295-T-C. GRCh37 (hg19) VCF-style: chr9-27548293-T-C.
Other names: c.1387A>G, p.Ile463Val (NM_001256054.3); short protein forms I463V.
Identifiers: ClinVar variation 385931 (VCV000385931.2), dbSNP rs747372712, ClinGen allele CA5017629.
Genomic context (GRCh38, chr9:27,548,295, plus strand): 5'-TTTAAAAAGTCATTAGAACATCTCGTTCTTGCACACTAGTGTAGAAAGGTCTTCCAAAGA[T>C]AAAAGAGTGTAGGCCTGGTTTAATTTTCTCAGCCAGAGCCATTATTATGTTAAGATCGCC-3'
Protein context (NP_060795.1, residues 453-473): EKIKPGLHSF[Ile463Val]FGRPFYTSVQ

ClinVar aggregate classification (germline): Uncertain significance (1 of 4 stars; one submission).

Allele frequency attached by ClinVar (database versions not stated): gnomAD exomes below 0.00001; ExAC 0.00001.
gnomAD v4.1: 3 of 1,613,160 alleles (0.00019%); highest among the groups gnomAD compares: South Asian, 0.0022%; no homozygotes.

Submission:

GeneDx
Classification: Uncertain significance. Last evaluated: 2016-04-26. Review status: criteria provided, single submitter. Criteria: GeneDx Variant Classification (06012015). Collection method: clinical testing. Allele origin: germline. Affected: yes.
Comment: The I463V variant in the C9orf72 gene has not been reported previously as a pathogenic variant, nor as a benign variant, to our knowledge. The I463V variant was not observed in approximately 6500 individuals of European and African American ancestry in the NHLBI Exome Sequencing Project, indicating it is not a common benign variant in these populations. The I463V variant is a conservative amino acid substitution, which occurs at a position where amino acids with similar properties to Isoleucine are tolerated across species. In silico analysis is inconsistent in its predictions as to whether or not the variant is damaging to the protein structure/function. We interpret I463V as a variant of uncertain significance